The following is an entry in ClinVar:

ClinVar aggregate classification (germline): Uncertain significance. Review status: criteria provided, single submitter (1 of 4 stars). 2 submissions from 2 submitters: Uncertain significance (1). 1 of the submissions does not count toward it. Last evaluated 2023-10-13.

Conditions:
Glycogen storage disease type III (GSD3). Also called: Cori disease; FORBES DISEASE. Identifiers: Orphanet 366, MedGen C0017922, MONDO:0009291, OMIM 232400.

Allele frequency attached by ClinVar (database versions not stated): ExAC 0.00001; gnomAD exomes 0.00001 and 0.00002; ESP Exome Variant Server 0.00008.
gnomAD v4.1: 19 of 1,613,408 alleles (0.0012%); highest among the groups gnomAD compares: Middle Eastern, 0.017%; no homozygotes.

Submissions (2):

Labcorp Genetics (formerly Invitae), Labcorp
Classification: Uncertain significance for Glycogen storage disease type III. Last evaluated: 2023-10-13. Review status: criteria provided, single submitter. Criteria: Invitae Variant Classification Sherloc (09022015). Collection method: clinical testing. Allele origin: germline.
Comment: This sequence change replaces asparagine, which is neutral and polar, with serine, which is neutral and polar, at codon 156 of the AGL protein (p.Asn156Ser). This variant is present in population databases (rs369767463, gnomAD 0.006%). This variant has not been reported in the literature in individuals affected with AGL-related conditions. ClinVar contains an entry for this variant (Variation ID: 526574). Advanced modeling of protein sequence and biophysical properties (such as structural, functional, and spatial information, amino acid conservation, physicochemical variation, residue mobility, and thermodynamic stability) has been performed at Invitae for this missense variant, however the output from this modeling did not meet the statistical confidence thresholds required to predict the impact of this variant on AGL protein function. In summary, the available evidence is currently insufficient to determine the role of this variant in disease. Therefore, it has been classified as a Variant of Uncertain Significance.

Natera, Inc.
Classification: Uncertain significance for Glycogen storage disease type III. Last evaluated: 2019-10-28. Review status: no assertion criteria provided. Collection method: clinical testing. Allele origin: germline. Not counted in ClinVar's aggregate classification.

NM_000642.3(AGL):c.467A>G (p.Asn156Ser)

Gene: AGL (amylo-alpha-1,6-glucosidase and 4-alpha-glucanotransferase; plus strand). Cytogenetic location: 1p21.2.
Variant type: single nucleotide variant.
Coding change: c.467A>G on transcript NM_000642.3 (MANE Select); coding-DNA position 467, A replaced by G.
Protein change: p.Asn156Ser; replaces asparagine 156 with serine.
Molecular consequence: missense variant.
Genome position (GRCh38, 1-based): chr1:99,864,392, A>G. VCF-style: chr1-99864392-A-G. GRCh37 (hg19) VCF-style: chr1-100329948-A-G.
Other names: c.467A>G, p.Asn156Ser (NM_000028.3, NM_000643.3, NM_000644.3 and 3 more transcripts); c.419A>G, p.Asn140Ser (NM_000646.3); c.89A>G, p.Asn30Ser (NM_001425332.1); short protein forms N156S, N140S, N30S.
Identifiers: ClinVar variation 526574 (VCV000526574.12), dbSNP rs369767463, ClinGen allele CA966198.